The following is an entry in ClinVar:

NM_005618.4(DLL1):c.474del (p.Glu158fs)

Gene: DLL1 (delta like canonical Notch ligand 1; minus strand). Cytogenetic location: 6q27.
Variant type: Deletion.
Coding change: c.474del on transcript NM_005618.4 (MANE Select); coding-DNA position 474, one base deleted (G; older notation c.474delG).
Protein change: p.Glu158fs; shifts the reading frame from glutamic acid 158.
Molecular consequence: frameshift variant.
Genome position (GRCh38, 1-based): chr6:170,288,435, C deleted on the plus strand (G on the coding strand, the reverse complement: DLL1 is on the minus strand). VCF-style (leftmost placement, unchanged base first): chr6-170288434-AC-A. GRCh37 (hg19) VCF-style: chr6-170597522-AC-A.
Other names: short protein forms E158fs.
Identifiers: ClinVar variation 4995043 (VCV004995043.1).
Genomic context (GRCh38, chr6:170,288,434, plus strand): 5'-ACACGAAGCGGTAGGAGTACTTGAGGTCCGTGCGGCCGCTGCTGTGCAGGTCCTGGGACC[AC>A]TCCTCGCCCACCGTCAGGTGCCTCTGGGTGGCCAGGCGGCTGATGAGTCTTTCTGGGTTT-3'

ClinVar aggregate classification (germline): Likely pathogenic (1 of 4 stars; one submission).

Conditions:
DLL1-related disorder. Also called: DLL1-related condition.

Submission:

PreventionGenetics, part of Exact Sciences
Classification: Likely pathogenic for DLL1-related condition. Last evaluated: 2025-10-31. Review status: criteria provided, single submitter. Criteria: ACMG Guidelines, 2015. Collection method: clinical testing. Allele origin: germline.
Comment: The DLL1 c.474delG variant is predicted to result in a frameshift and premature protein termination (p.Glu158Aspfs*132). To our knowledge, this variant has not been reported in the literature or in a large population database (gnomAD), indicating this variant is rare. Frameshift variants in DLL1 are expected to be pathogenic. This variant is interpreted as likely pathogenic.